The following is an entry in ClinVar:

NM_018026.4(PACS1):c.1835G>A (p.Arg612His)

Gene: PACS1 (phosphofurin acidic cluster sorting protein 1; plus strand). Cytogenetic location: 11q13.2.
Variant type: single nucleotide variant.
Coding change: c.1835G>A on transcript NM_018026.4 (MANE Select); coding-DNA position 1835, G replaced by A.
Protein change: p.Arg612His; replaces arginine 612 with histidine.
Molecular consequence: missense variant.
Genome position (GRCh38, 1-based): chr11:66,233,063, G>A. VCF-style: chr11-66233063-G-A. GRCh37 (hg19) VCF-style: chr11-66000534-G-A.
Other names: short protein forms R612H.
Identifiers: ClinVar variation 1978623 (VCV001978623.4), dbSNP rs376805247, ClinGen allele CA6116681.

ClinVar aggregate classification (germline): Uncertain significance (1 of 4 stars; one submission).

Conditions:
Schuurs-Hoeijmakers syndrome. Also called: PACS1-Related Neurodevelopmental Disorder. Identifiers: Orphanet 329224, MedGen C3554343, MONDO:0014006, OMIM 615009.

Allele frequency attached by ClinVar (database versions not stated): gnomAD exomes below 0.00001; TOPMed below 0.00001; ExAC 0.00001; gnomAD 0.00001; ESP Exome Variant Server 0.00008.
gnomAD v4.1: 4 of 1,603,872 alleles (0.00025%); highest among the groups gnomAD compares: Non-Finnish European, 0.00034%; no homozygotes.

Submission:

Labcorp Genetics (formerly Invitae), Labcorp
Classification: Uncertain significance for Schuurs-Hoeijmakers syndrome. Last evaluated: 2025-12-16. Review status: criteria provided, single submitter. Criteria: Invitae Variant Classification Sherloc (09022015). Collection method: clinical testing. Allele origin: germline.
Comment: This sequence change replaces arginine, which is basic and polar, with histidine, which is basic and polar, at codon 612 of the PACS1 protein (p.Arg612His). This variant is not present in population databases (gnomAD no frequency). This variant has not been reported in the literature in individuals affected with PACS1-related conditions. ClinVar contains an entry for this variant (Variation ID: 1978623). Invitae Evidence Modeling of protein sequence and biophysical properties (such as structural, functional, and spatial information, amino acid conservation, physicochemical variation, residue mobility, and thermodynamic stability) indicates that this missense variant is expected to disrupt PACS1 protein function with a positive predictive value of 80%. In summary, the available evidence is currently insufficient to determine the role of this variant in disease. Therefore, it has been classified as a Variant of Uncertain Significance.